The following is an entry in ClinVar:

NM_000548.5(TSC2):c.2838-19C>T

Gene: TSC2 (TSC complex subunit 2; plus strand). Cytogenetic location: 16p13.3.
Variant type: single nucleotide variant.
Coding change: c.2838-19C>T on transcript NM_000548.5 (MANE Select); 19 bases into the intron before coding-DNA position 2838, C replaced by T.
Molecular consequence: intron variant.
Genome position (GRCh38, 1-based): chr16:2,077,579, C>T. VCF-style: chr16-2077579-C-T. GRCh37 (hg19) VCF-style: chr16-2127580-C-T.
Other names: c.2838-19C>T (NM_001114382.3); c.2837+994C>T (NM_021055.3, NM_001370405.1, NM_001363528.2 and 2 more transcripts); c.2726+994C>T (NM_001318827.2); c.2237+994C>T (NM_001318831.2); c.2690+994C>T (NM_001318829.2); c.2870+994C>T (NM_001318832.2).
Identifiers: ClinVar variation 2116941 (VCV002116941.5), dbSNP rs2543970850, ClinGen allele CA2580090886.

ClinVar aggregate classification (germline): Likely benign. Review status: criteria provided, multiple submitters, no conflicts (2 of 4 stars). 2 submissions from 2 submitters: Likely benign (2). Last evaluated 2025-07-06.

Conditions:
Tuberous sclerosis 2 (TSC2). Identifiers: Orphanet 805, MedGen C1860707, MONDO:0013199, OMIM 613254.

Submissions (2):

Labcorp Genetics (formerly Invitae), Labcorp
Classification: Likely benign for Tuberous sclerosis 2. Last evaluated: 2025-07-06. Review status: criteria provided, single submitter. Criteria: Invitae Variant Classification Sherloc (09022015). Collection method: clinical testing. Allele origin: germline.

Myriad Genetics, Inc.
Classification: Likely benign for Tuberous sclerosis 2. Last evaluated: 2025-05-27. Review status: criteria provided, single submitter. Criteria: Myriad Autosomal Dominant, Autosomal Recessive and X-Linked Classification Criteria (2023). Collection method: clinical testing. Allele origin: unknown.
Comment: This variant is considered likely benign. This variant is intronic and is not expected to impact mRNA splicing.